The following is an entry in ClinVar:

ClinVar aggregate classification (germline): Pathogenic (1 of 4 stars; one submission).

Conditions:
Chromosome 2q32-q33 deletion syndrome (GLASS). Also called: Glass syndrome; 2q33.1 deletion syndrome. Identifiers: Orphanet 251019, MedGen C2676739, MONDO:0012864, OMIM 612313.

Submission:

Institute of Human Genetics, University of Leipzig Medical Center
Classification: Pathogenic for Chromosome 2q32-q33 deletion syndrome. Last evaluated: 2019-07-19. Review status: criteria provided, single submitter. Criteria: ACMG Guidelines, 2015. Collection method: clinical testing. Allele origin: de novo. Affected: yes. Observed: 1 variant allele.
Comment: This variant was identified as de novo (maternity and paternity confirmed).

NM_001172509.2(SATB2):c.721_722del (p.Asn241fs)

Gene: SATB2 (SATB homeobox 2; minus strand). Cytogenetic location: 2q33.1.
Variant type: Deletion.
Coding change: c.721_722del on transcript NM_001172509.2 (MANE Select); coding-DNA positions 721 to 722, 2 bases deleted (AA; older notation c.721_722delAA).
Protein change: p.Asn241fs; shifts the reading frame from asparagine 241.
Molecular consequence: frameshift variant.
Genome position (GRCh38, 1-based): chr2:199,349,152-199,349,153, TT deleted on the plus strand (AA on the coding strand, the reverse complement: SATB2 is on the minus strand); deleting any 2 consecutive bases within chr2:199,349,152-199,349,155 gives the same sequence; the c. name uses the placement nearest the transcript's 3' end. VCF-style (leftmost placement, unchanged base first): chr2-199349151-GTT-G. GRCh37 (hg19) VCF-style: chr2-200213874-GTT-G.
Other names: c.721_722del, p.Asn241fs (NM_001172517.1, NM_015265.4); short protein forms N241fs.
Identifiers: ClinVar variation 976026 (VCV000976026.1), dbSNP rs1688740919, ClinGen allele CA1139657589.